The following is an entry in ClinVar:

ClinVar aggregate classification (germline): Pathogenic. Review status: criteria provided, single submitter (1 of 4 stars). 3 submissions from 3 submitters: Pathogenic (1). 2 of the submissions do not count toward it. Last evaluated 2023-03-03.

Conditions:
Charcot-Marie-Tooth disease type 4J (CMT4J). Also called: Charcot-Marie-Tooth Neuropathy Type 4J; CHARCOT-MARIE-TOOTH DISEASE, AUTOSOMAL RECESSIVE, TYPE 4J; CHARCOT-MARIE-TOOTH DISEASE, DEMYELINATING, TYPE 4J. Identifiers: Orphanet 139515, MedGen C1970011, MONDO:0012640, OMIM 611228.
Charcot-Marie-Tooth disease. Also called: Charcot-Marie-Tooth Hereditary Neuropathy; Charcot-Marie-Tooth Neuropathy. Identifiers: Orphanet 166, MedGen C0007959, MONDO:0015626.
Charcot-Marie-Tooth disease type 4. Also called: Charcot-Marie-Tooth, Type 4; Charcot-Marie-Tooth disease, type IV. Identifiers: Orphanet 64749, MedGen C4082197, MONDO:0018995.

Allele frequency attached by ClinVar (database versions not stated): gnomAD exomes below 0.00001 and 0.00001; gnomAD 0.00001; ExAC 0.00002.
gnomAD v4.1: 3 of 1,613,934 alleles (0.00019%); highest among the groups gnomAD compares: African/African-American, 0.0013%; no homozygotes.

Submissions (3):

Labcorp Genetics (formerly Invitae), Labcorp
Classification: Pathogenic for Charcot-Marie-Tooth disease type 4. Last evaluated: 2023-03-03. Review status: criteria provided, single submitter. Criteria: Invitae Variant Classification Sherloc (09022015). Collection method: clinical testing. Allele origin: germline.
Comment: This variant is present in population databases (rs776090013, gnomAD 0.002%). This sequence change creates a premature translational stop signal (p.Lys559*) in the FIG4 gene. It is expected to result in an absent or disrupted protein product. Loss-of-function variants in FIG4 are known to be pathogenic (PMID: 23623387, 30740813). For these reasons, this variant has been classified as Pathogenic. ClinVar contains an entry for this variant (Variation ID: 637527). This premature translational stop signal has been observed in individual(s) with clinical features of Charcot–Marie–Tooth disease (PMID: 21705420).

Inherited Neuropathy Consortium Ii, University Of Miami
Classification: Uncertain significance for Charcot-Marie-Tooth disease type 4J. Last evaluated: 2016-01-06. Review status: no assertion criteria provided. Collection method: literature only. Allele origin: germline. Affected: yes. Not counted in ClinVar's aggregate classification.

Inherited Neuropathy Consortium
Classification: Uncertain significance for Charcot-Marie-Tooth disease. Review status: no assertion criteria provided. Collection method: literature only. Allele origin: germline. Affected: yes. Not counted in ClinVar's aggregate classification.

Literature cited by the submitters: PubMed 23623387 (cited by Labcorp Genetics (formerly Invitae), Labcorp); PubMed 30740813 (cited by Labcorp Genetics (formerly Invitae), Labcorp); PubMed 21705420 (cited by 3 submitters).

NM_014845.6(FIG4):c.1675A>T (p.Lys559Ter)

Gene: FIG4 (FIG4 phosphoinositide 5-phosphatase; plus strand). Cytogenetic location: 6q21.
Variant type: single nucleotide variant.
Coding change: c.1675A>T on transcript NM_014845.6 (MANE Select); coding-DNA position 1675, A replaced by T.
Protein change: p.Lys559Ter; replaces lysine 559 with a stop codon.
Molecular consequence: nonsense.
Genome position (GRCh38, 1-based): chr6:109,766,820, A>T. VCF-style: chr6-109766820-A-T. GRCh37 (hg19) VCF-style: chr6-110088023-A-T.
Other names: short protein forms K559*.
Identifiers: ClinVar variation 637527 (VCV000637527.5), dbSNP rs776090013, ClinGen allele CA3956155.